The following is an entry in ClinVar:

NM_001025356.3(ANO6):c.2421-1G>C

Gene: ANO6 (anoctamin 6; plus strand). Cytogenetic location: 12q12.
Variant type: single nucleotide variant.
Coding change: c.2421-1G>C on transcript NM_001025356.3 (MANE Select); the canonical splice acceptor site of the intron before coding-DNA position 2421, G replaced by C.
Molecular consequence: splice acceptor variant.
Genome position (GRCh38, 1-based): chr12:45,422,956, G>C. VCF-style: chr12-45422956-G-C. GRCh37 (hg19) VCF-style: chr12-45816739-G-C.
Other names: c.2421-1G>C (NM_001142679.2); c.2484-1G>C (NM_001204803.2); c.2388-1G>C (NM_001410973.1); c.2367-1G>C (NM_001142678.2).
Identifiers: ClinVar variation 2057277 (VCV002057277.5), dbSNP rs1006218944, ClinGen allele CA236406345.

ClinVar aggregate classification (germline): Likely pathogenic (1 of 4 stars; one submission).

Allele frequency attached by ClinVar (database versions not stated): gnomAD exomes 0.00003; gnomAD 0.00008; TOPMed 0.00008.
gnomAD v4.1: 50 of 1,604,224 alleles (0.0031%); highest among the groups gnomAD compares: Non-Finnish European, 0.0039%; no homozygotes.

Submissions (2):

Labcorp Genetics (formerly Invitae), Labcorp
Classification: Likely pathogenic. Last evaluated: 2025-10-26. Review status: criteria provided, single submitter. Criteria: Invitae Variant Classification Sherloc (09022015). Collection method: clinical testing. Allele origin: germline.
Comment: This sequence change affects an acceptor splice site in intron 18 of the ANO6 gene. It is expected to disrupt RNA splicing. Variants that disrupt the donor or acceptor splice site typically lead to a loss of protein function (PMID: 16199547), and loss-of-function variants in ANO6 are known to be pathogenic (PMID: 21107324, 21511967, 27879994). This variant is present in population databases (no rsID available, gnomAD 0.007%). This variant has not been reported in the literature in individuals affected with ANO6-related conditions. ClinVar contains an entry for this variant (Variation ID: 2057277). Algorithms developed to predict the effect of sequence changes on RNA splicing suggest that this variant may disrupt the consensus splice site. In summary, the currently available evidence indicates that the variant is pathogenic, but additional data are needed to prove that conclusively. Therefore, this variant has been classified as Likely Pathogenic.

Dr. Peter K. Rogan Lab, Western University
No classification provided (evidence only). Condition: Malignant tumor of esophagus. Review status: no classification provided. Collection method: in vitro. Allele origin: not applicable. Functional consequence: skipped exon, retained intron. Not counted in ClinVar's aggregate classification.

Literature cited by the submitters: PubMed 16199547 (cited by Labcorp Genetics (formerly Invitae), Labcorp); PubMed 21107324 (cited by Labcorp Genetics (formerly Invitae), Labcorp); PubMed 21511967 (cited by Labcorp Genetics (formerly Invitae), Labcorp); PubMed 27879994 (cited by Labcorp Genetics (formerly Invitae), Labcorp).